The following is an entry in ClinVar:

ClinVar aggregate classification (germline): Uncertain significance (1 of 4 stars; one submission).

Allele frequency attached by ClinVar (database versions not stated): gnomAD exomes 0.00001.
gnomAD v4.1: 5 of 1,614,204 alleles (0.00031%); highest among the groups gnomAD compares: Non-Finnish European, 0.00042%; no homozygotes.

Submission:

Labcorp Genetics (formerly Invitae), Labcorp
Classification: Uncertain significance. Last evaluated: 2022-04-20. Review status: criteria provided, single submitter. Criteria: Invitae Variant Classification Sherloc (09022015). Collection method: clinical testing. Allele origin: germline.
Comment: In summary, the available evidence is currently insufficient to determine the role of this variant in disease. Therefore, it has been classified as a Variant of Uncertain Significance. Algorithms developed to predict the effect of missense changes on protein structure and function (SIFT, PolyPhen-2, Align-GVGD) all suggest that this variant is likely to be tolerated. This variant has not been reported in the literature in individuals affected with CEP97-related conditions. This variant is not present in population databases (gnomAD no frequency). This sequence change replaces glutamic acid, which is acidic and polar, with glycine, which is neutral and non-polar, at codon 535 of the CEP97 protein (p.Glu535Gly).

NM_024548.4(CEP97):c.1604A>G (p.Glu535Gly)

Gene: CEP97 (centrosomal protein 97; plus strand). Cytogenetic location: 3q12.3.
Variant type: single nucleotide variant.
Coding change: c.1604A>G on transcript NM_024548.4 (MANE Select); coding-DNA position 1604, A replaced by G.
Protein change: p.Glu535Gly; replaces glutamic acid 535 with glycine.
Molecular consequence: missense variant.
Genome position (GRCh38, 1-based): chr3:101,758,210, A>G. VCF-style: chr3-101758210-A-G. GRCh37 (hg19) VCF-style: chr3-101477054-A-G.
Other names: c.1502A>G, p.Glu501Gly (NM_001410784.1); c.1325A>G, p.Glu442Gly (NM_001410785.1); c.1427A>G, p.Glu476Gly (NM_001303401.2); short protein forms E476G, E442G, E501G, E535G.
Identifiers: ClinVar variation 1915723 (VCV001915723.5), dbSNP rs2545846564, ClinGen allele CA353877963.